The following is an entry in ClinVar:

ClinVar aggregate classification (germline): Uncertain significance. Review status: criteria provided, multiple submitters, no conflicts (2 of 4 stars). 2 submissions from 2 submitters: Uncertain significance (2). Last evaluated 2026-01-31.

Allele frequency attached by ClinVar (database versions not stated): gnomAD 0.00007; ExAC 0.00012.
gnomAD v4.1: 67 of 1,613,312 alleles (0.0042%); highest among the groups gnomAD compares: East Asian, 0.1%; no homozygotes.

Submissions (2):

GeneDx
Classification: Uncertain significance. Last evaluated: 2026-01-31. Review status: criteria provided, single submitter. Criteria: GeneDx Variant Classification Process June 2021. Collection method: clinical testing. Allele origin: germline.
Comment: In silico analysis supports that this missense variant has a deleterious effect on protein structure/function; Has not been previously published in association with a DSC3-related disorder to our knowledge; This variant is associated with the following publications: (PMID: 31699123, 29420653)

Ambry Genetics
Classification: Uncertain significance. Last evaluated: 2022-02-10. Review status: criteria provided, single submitter. Criteria: Ambry Variant Classification Scheme 2023. Collection method: clinical testing. Allele origin: germline.

NM_001941.5(DSC3):c.1900C>T (p.Arg634Cys)

Gene: DSC3 (desmocollin 3; minus strand). Cytogenetic location: 18q12.1.
Variant type: single nucleotide variant.
Coding change: c.1900C>T on transcript NM_001941.5 (MANE Select); coding-DNA position 1900, C replaced by T.
Protein change: p.Arg634Cys; replaces arginine 634 with cysteine.
Molecular consequence: missense variant.
Genome position (GRCh38, 1-based): chr18:31,004,355, G>A on the plus strand (C>T on the coding strand, the complement: DSC3 is on the minus strand). VCF-style: chr18-31004355-G-A. GRCh37 (hg19) VCF-style: chr18-28584321-G-A.
Other names: c.1900C>T, p.Arg634Cys (NM_024423.4); c.1900C>T (NM_024423.3); short protein forms R634C.
Identifiers: ClinVar variation 2214547 (VCV002214547.3), dbSNP rs765489929, ClinGen allele CA8924165.